The following is an entry in ClinVar:

ClinVar aggregate classification (germline): Uncertain significance. Review status: criteria provided, multiple submitters, no conflicts (2 of 4 stars). 2 submissions from 2 submitters: Uncertain significance (2). Last evaluated 2025-08-02.

Conditions:
Hereditary cancer-predisposing syndrome. Also called: Neoplastic Syndromes, Hereditary; Hereditary Cancer Syndrome; Hereditary neoplastic syndrome; Tumor predisposition. Identifiers: Orphanet 140162, MedGen C0027672, MeSH D009386, MONDO:0015356.
Familial cancer of breast. Also called: BREAST CANCER, FAMILIAL; hereditary breast carcinoma; Hereditary breast cancer. Identifiers: Orphanet 227535, MedGen C0346153, MONDO:0016419, OMIM 114480. Disease mechanism: loss of function.

Allele frequency attached by ClinVar (database versions not stated): TOPMed below 0.00001; gnomAD 0.00001.
gnomAD v4.1: 1 of 1,613,872 alleles (0.000062%); highest among the groups gnomAD compares: Non-Finnish European, 0.000085%; no homozygotes.

Submissions (2):

Ambry Genetics
Classification: Uncertain significance for Hereditary cancer-predisposing syndrome. Last evaluated: 2025-08-02. Review status: criteria provided, single submitter. Criteria: Ambry Variant Classification Scheme 2023. Collection method: clinical testing. Allele origin: germline.
Comment: The p.K650Q variant (also known as c.1948A>C), located in coding exon 10 of the BARD1 gene, results from an A to C substitution at nucleotide position 1948. The lysine at codon 650 is replaced by glutamine, an amino acid with similar properties. This variant was not reported in population based cohorts in the following databases: Database of Single Nucleotide Polymorphisms (dbSNP), NHLBI Exome Sequencing Project (ESP), and 1000 Genomes Project. In the ESP, this variant was not observed in 6503 samples (13006 alleles) with coverage at this position. To date, this alteration has been detected with an allele frequency of approximately 0.001% (greater than 175000 alleles tested) in our clinical cohort. This amino acid position is not well conserved in available vertebrate species. In addition, this alteration is predicted to be tolerated by in silico analysis. Since supporting evidence is limited at this time, the clinical significance of this alteration remains unclear.

Labcorp Genetics (formerly Invitae), Labcorp
Classification: Uncertain significance for Familial cancer of breast. Last evaluated: 2019-12-11. Review status: criteria provided, single submitter. Criteria: Invitae Variant Classification Sherloc (09022015). Collection method: clinical testing. Allele origin: germline.
Comment: In summary, the available evidence is currently insufficient to determine the role of this variant in disease. Therefore, it has been classified as a Variant of Uncertain Significance. This sequence change replaces lysine with glutamine at codon 650 of the BARD1 protein (p.Lys650Gln). The lysine residue is highly conserved and there is a small physicochemical difference between lysine and glutamine. This variant is not present in population databases (ExAC no frequency). This variant has not been reported in the literature in individuals with BARD1-related disease. ClinVar contains an entry for this variant (Variation ID: 479162). Algorithms developed to predict the effect of missense changes on protein structure and function (SIFT, PolyPhen-2, Align-GVGD) all suggest that this variant is likely to be tolerated, but these predictions have not been confirmed by published functional studies and their clinical significance is uncertain.

NM_000465.4(BARD1):c.1948A>C (p.Lys650Gln)

Gene: BARD1 (BRCA1 associated RING domain 1; minus strand). Cytogenetic location: 2q35.
Variant type: single nucleotide variant.
Coding change: c.1948A>C on transcript NM_000465.4 (MANE Select); coding-DNA position 1948, A replaced by C.
Protein change: p.Lys650Gln; replaces lysine 650 with glutamine.
Molecular consequence: missense variant. On other transcripts: non-coding transcript variant (3).
Genome position (GRCh38, 1-based): chr2:214,730,464, T>G on the plus strand (A>C on the coding strand, the complement: BARD1 is on the minus strand). VCF-style: chr2-214730464-T-G. GRCh37 (hg19) VCF-style: chr2-215595188-T-G.
Other names: c.1891A>C, p.Lys631Gln (NM_001282543.2); c.595A>C, p.Lys199Gln (NM_001282545.2); c.538A>C, p.Lys180Gln (NM_001282548.2); c.409A>C, p.Lys137Gln (NM_001282549.2); short protein forms K650Q, K631Q, K137Q, K180Q, K199Q.
Identifiers: ClinVar variation 479162 (VCV000479162.18), dbSNP rs1283527672, ClinGen allele CA350451181.